The following is an entry in ClinVar:

ClinVar aggregate classification (germline): Uncertain significance. Review status: criteria provided, multiple submitters, no conflicts (2 of 4 stars). 2 submissions from 2 submitters: Uncertain significance (2). Last evaluated 2026-05-10.

Conditions:
Inborn genetic diseases. Identifiers: MedGen C0950123, MeSH D030342.

Allele frequency attached by ClinVar (database versions not stated): gnomAD 0.00001; TOPMed 0.00004; gnomAD exomes below 0.00001.

Submissions (2):

Ambry Genetics
Classification: Uncertain significance for Inborn genetic diseases. Last evaluated: 2026-05-10. Review status: criteria provided, single submitter. Criteria: Ambry Variant Classification Scheme 2023. Collection method: clinical testing. Allele origin: germline.

Labcorp Genetics (formerly Invitae), Labcorp
Classification: Uncertain significance. Last evaluated: 2022-03-12. Review status: criteria provided, single submitter. Criteria: Invitae Variant Classification Sherloc (09022015). Collection method: clinical testing. Allele origin: germline.
Comment: This variant has not been reported in the literature in individuals affected with MME-related conditions. This variant is not present in population databases (gnomAD no frequency). This sequence change replaces glutamine, which is neutral and polar, with arginine, which is basic and polar, at codon 446 of the MME protein (p.Gln446Arg). Algorithms developed to predict the effect of missense changes on protein structure and function are either unavailable or do not agree on the potential impact of this missense change (SIFT: "Tolerated"; PolyPhen-2: "Possibly Damaging"; Align-GVGD: "Class C0"). In summary, the available evidence is currently insufficient to determine the role of this variant in disease. Therefore, it has been classified as a Variant of Uncertain Significance.

NM_007289.4(MME):c.1337A>G (p.Gln446Arg)

Gene: MME (membrane metalloendopeptidase; plus strand). Cytogenetic location: 3q25.2.
Variant type: single nucleotide variant.
Coding change: c.1337A>G on transcript NM_007289.4 (MANE Select); coding-DNA position 1337, A replaced by G.
Protein change: p.Gln446Arg; replaces glutamine 446 with arginine.
Molecular consequence: missense variant.
Genome position (GRCh38, 1-based): chr3:155,144,378, A>G. VCF-style: chr3-155144378-A-G. GRCh37 (hg19) VCF-style: chr3-154862167-A-G.
Other names: c.1337A>G (NM_007289.2); c.1337A>G, p.Gln446Arg (NM_000902.5, NM_001354642.2, NM_001354643.1 and 2 more transcripts); short protein forms Q446R.
Identifiers: ClinVar variation 1933592 (VCV001933592.5), dbSNP rs1721348580, ClinGen allele CA355130582.